The following is an entry in ClinVar:

ClinVar aggregate classification (germline): Likely benign. Review status: criteria provided, multiple submitters, no conflicts (2 of 4 stars). 3 submissions from 3 submitters: Likely benign (3). Last evaluated 2025-12-22.

Conditions:
RYR1-related disorder. Also called: RYR1-related condition; RYR1-related disorders. Identifiers: MedGen CN239331.
Malignant hyperthermia, susceptibility to, 1 (MHS1). Also called: RYR1-Related Malignant Hyperthermia Susceptibility; Malignant hyperthermia suceptibility 1; Anesthesia related hyperthermia; Malignant hyperpyrexia; Fulminating hyperpyrexia; Pharmacogenic myopathy. Identifiers: Orphanet 423, MedGen C2930980, MONDO:0007783, OMIM 145600.

Allele frequency attached by ClinVar (database versions not stated): gnomAD exomes 0.00003 and below 0.00001; ExAC 0.00001; gnomAD 0.00002; TOPMed 0.00002.

Submissions (3):

Labcorp Genetics (formerly Invitae), Labcorp
Classification: Likely benign for RYR1-related disorder. Last evaluated: 2025-12-22. Review status: criteria provided, single submitter. Criteria: Invitae Variant Classification Sherloc (09022015). Collection method: clinical testing. Allele origin: germline.

All of Us Research Program, National Institutes of Health
Classification: Likely benign for Malignant hyperthermia, susceptibility to, 1. Last evaluated: 2024-01-11. Review status: criteria provided, single submitter. Criteria: ACMG Guidelines, 2015. Collection method: clinical testing. Allele origin: germline. Inheritance: Autosomal dominant inheritance. Observed: 5 variant alleles, 5 heterozygotes.
Comment: This study involves interpretation of variants in research participants for the purpose of population health screening. Participant phenotype was not available at the time of variant classification. Additional details can be found in publication PMID: 35346344, PMCID: PMC8962531

Blueprint Genetics
Classification: Likely benign. Last evaluated: 2023-09-04. Review status: criteria provided, single submitter. Criteria: ACMG Guidelines, 2015. Collection method: clinical testing. Allele origin: germline.

NM_000540.3(RYR1):c.10140C>T (p.Arg3380=)

Gene: RYR1 (ryanodine receptor 1; plus strand). Cytogenetic location: 19q13.2.
Variant type: single nucleotide variant.
Coding change: c.10140C>T on transcript NM_000540.3 (MANE Select); coding-DNA position 10140, C replaced by T.
Protein change: p.Arg3380=; no amino-acid change (arginine 3380 retained).
Molecular consequence: synonymous variant.
Genome position (GRCh38, 1-based): chr19:38,519,335, C>T. VCF-style: chr19-38519335-C-T. GRCh37 (hg19) VCF-style: chr19-39009975-C-T.
Other names: c.10140C>T, p.Arg3380= (NM_001042723.2).
Identifiers: ClinVar variation 544461 (VCV000544461.13), dbSNP rs778920137, ClinGen allele CA052429.